The following is an entry in ClinVar:

ClinVar aggregate classification (germline): Conflicting classifications of pathogenicity. Review status: criteria provided, conflicting classifications (1 of 4 stars). 5 submissions from 5 submitters: Uncertain significance (3); Likely benign (2). Last evaluated 2025-12-31.

Conditions:
PKHD1-related disorder. Also called: PKHD1-related condition.
Autosomal recessive polycystic kidney disease (ARPKD). Also called: AR polycystic kidney disease. Identifiers: Orphanet 731, Orphanet 8378, MedGen C0085548, MeSH D017044, MONDO:0009889.
Inborn genetic diseases. Identifiers: MedGen C0950123, MeSH D030342.

Allele frequency attached by ClinVar (database versions not stated): gnomAD 0.00003 and 0.00004; gnomAD exomes 0.00006 and 0.00009; ExAC 0.00008; TOPMed 0.00008.
gnomAD v4.1: 141 of 1,613,986 alleles (0.0087%); highest among the groups gnomAD compares: Non-Finnish European, 0.011%; no homozygotes.

Submissions (5):

Labcorp Genetics (formerly Invitae), Labcorp
Classification: Likely benign for Autosomal recessive polycystic kidney disease. Last evaluated: 2025-12-31. Review status: criteria provided, single submitter. Criteria: Invitae Variant Classification Sherloc (09022015). Collection method: clinical testing. Allele origin: germline.

PreventionGenetics, part of Exact Sciences
Classification: Uncertain significance for PKHD1-related condition. Last evaluated: 2025-07-15. Review status: criteria provided, single submitter. Criteria: ACMG Guidelines, 2015. Collection method: clinical testing. Allele origin: germline.
Comment: The PKHD1 c.3452C>T variant is predicted to result in the amino acid substitution p.Pro1151Leu. To our knowledge, this variant has not been reported in the literature. This variant is reported in 0.010% of alleles in individuals of European (Non-Finnish) descent in gnomAD. At this time, the clinical significance of this variant is uncertain due to the absence of conclusive functional and genetic evidence.

Ambry Genetics
Classification: Likely benign for Inborn genetic diseases. Last evaluated: 2024-05-30. Review status: criteria provided, single submitter. Criteria: Ambry Variant Classification Scheme 2023. Collection method: clinical testing. Allele origin: germline.

Mayo Clinic Laboratories, Mayo Clinic
Classification: Uncertain significance. Last evaluated: 2023-06-01. Review status: criteria provided, single submitter. Criteria: ACMG Guidelines, 2015. Collection method: clinical testing. Allele origin: germline. Observed: 1 variant allele.
Comment: BP4, PM2

Eurofins Ntd Llc (ga)
Classification: Uncertain significance. Last evaluated: 2017-12-12. Review status: criteria provided, single submitter. Criteria: EGL Classification Definitions 2015. Collection method: clinical testing. Allele origin: germline. Observed: 1 variant allele, 1 heterozygote.

NM_138694.4(PKHD1):c.3452C>T (p.Pro1151Leu)

Gene: PKHD1 (PKHD1 ciliary IPT domain containing fibrocystin/polyductin; minus strand). Cytogenetic location: 6p12.2.
Variant type: single nucleotide variant.
Coding change: c.3452C>T on transcript NM_138694.4 (MANE Select); coding-DNA position 3452, C replaced by T.
Protein change: p.Pro1151Leu; replaces proline 1151 with leucine.
Molecular consequence: missense variant.
Genome position (GRCh38, 1-based): chr6:52,028,264, G>A on the plus strand (C>T on the coding strand, the complement: PKHD1 is on the minus strand). VCF-style: chr6-52028264-G-A. GRCh37 (hg19) VCF-style: chr6-51893062-G-A.
Other names: p.Pro1151Leu; c.3452C>T (NM_138694.3); c.3452C>T, p.Pro1151Leu (NM_170724.3); short protein forms P1151L.
Identifiers: ClinVar variation 595351 (VCV000595351.16), dbSNP rs574099162, ClinGen allele CA3852934.